The following is an entry in ClinVar:

NM_001077365.2(POMT1):c.639C>T (p.Leu213=)

Gene: POMT1 (protein O-mannosyltransferase 1; plus strand). Cytogenetic location: 9q34.13.
Variant type: single nucleotide variant.
Coding change: c.639C>T on transcript NM_001077365.2 (MANE Select); coding-DNA position 639, C replaced by T.
Protein change: p.Leu213=; no amino-acid change (leucine 213 retained).
Molecular consequence: synonymous variant. On other transcripts: non-coding transcript variant (10).
Genome position (GRCh38, 1-based): chr9:131,509,936, C>T. VCF-style: chr9-131509936-C-T. GRCh37 (hg19) VCF-style: chr9-134385323-C-T.
Other names: c.477C>T, p.Leu159= (NM_001077366.2, NM_001353194.2, NM_001353197.2 and 3 more transcripts); c.639C>T, p.Leu213= (NM_001136113.2, NM_001353193.2, NM_001374690.1 and 1 more transcripts); c.288C>T, p.Leu96= (NM_001136114.2, NM_001353195.2, NM_001353199.2 and 2 more transcripts); c.549C>T, p.Leu183= (NM_001353196.2); c.183C>T, p.Leu61= (NM_001353200.2, NM_001374695.1).
Identifiers: ClinVar variation 77582 (VCV000077582.12), dbSNP rs267602149, ClinGen allele CA5293364.

ClinVar aggregate classification (germline): Likely benign. Review status: criteria provided, multiple submitters, no conflicts (2 of 4 stars). 3 submissions from 3 submitters: Likely benign (2). 1 of the submissions does not count toward it. Last evaluated 2023-12-21.

Conditions:
POMT1-related disorder. Also called: POMT1-related condition; POMT1-related disorders.
Walker-Warburg congenital muscular dystrophy. Also called: Muscular dystrophy-dystroglycanopathy, type A; Walker-Warburg syndrome. Identifiers: Orphanet 899, MedGen C0265221, MONDO:0000171.
Muscular dystrophy-dystroglycanopathy (congenital with impaired intellectual development), type B, 1. Also called: Muscular dystrophy-dystroglycanopathy (congenital with intellectual disability), type B1; MUSCULAR DYSTROPHY, CONGENITAL, POMT1-RELATED. Identifiers: MedGen C5436962, MONDO:0013159, OMIM 613155.
Autosomal recessive limb-girdle muscular dystrophy type 2K. Also called: MUSCULAR DYSTROPHY, LIMB-GIRDLE, TYPE 2K; MUSCULAR DYSTROPHY-DYSTROGLYCANOPATHY (LIMB-GIRDLE), TYPE C, 1. Identifiers: Orphanet 86812, MedGen C1836373, MONDO:0012248, OMIM 609308.

Allele frequency attached by ClinVar (database versions not stated): gnomAD exomes 0.00001; ExAC 0.00002.

Submissions (3):

Labcorp Genetics (formerly Invitae), Labcorp
Classification: Likely benign for Muscular dystrophy-dystroglycanopathy (congenital with impaired intellectual development), type B, 1; Walker-Warburg congenital muscular dystrophy; Autosomal recessive limb-girdle muscular dystrophy type 2K. Last evaluated: 2023-12-21. Review status: criteria provided, single submitter. Criteria: Invitae Variant Classification Sherloc (09022015). Collection method: clinical testing. Allele origin: germline.

Blueprint Genetics
Classification: Likely benign. Last evaluated: 2021-07-07. Review status: criteria provided, single submitter. Criteria: ACMG Guidelines, 2015. Collection method: clinical testing. Allele origin: germline.

PreventionGenetics, part of Exact Sciences
Classification: Likely benign for POMT1-related condition. Last evaluated: 2019-05-21. Review status: no assertion criteria provided. Collection method: clinical testing. Allele origin: germline. Not counted in ClinVar's aggregate classification.
Comment: This variant is classified as likely benign based on ACMG/AMP sequence variant interpretation guidelines (Richards et al. 2015 PMID: 25741868, with internal and published modifications).